The following is an entry in ClinVar:

NM_024675.4(PALB2):c.1887C>T (p.Ser629=)

Gene: PALB2 (partner and localizer of BRCA2; minus strand). Cytogenetic location: 16p12.2.
Variant type: single nucleotide variant.
Coding change: c.1887C>T on transcript NM_024675.4 (MANE Select); coding-DNA position 1887, C replaced by T.
Protein change: p.Ser629=; no amino-acid change (serine 629 retained).
Molecular consequence: synonymous variant.
Genome position (GRCh38, 1-based): chr16:23,630,267, G>A on the plus strand (C>T on the coding strand, the complement: PALB2 is on the minus strand). VCF-style: chr16-23630267-G-A. GRCh37 (hg19) VCF-style: chr16-23641588-G-A.
Other names: c.1887C>T (NM_024675.3).
Identifiers: ClinVar variation 1108134 (VCV001108134.12), dbSNP rs1966864226, ClinGen allele CA494461206.

ClinVar aggregate classification (germline): Benign/Likely benign. Review status: criteria provided, multiple submitters, no conflicts (2 of 4 stars). 3 submissions from 3 submitters: Benign (1); Likely benign (2). Last evaluated 2025-12-29.

Conditions:
Hereditary cancer-predisposing syndrome. Also called: Hereditary Cancer Syndrome; Neoplastic Syndromes, Hereditary; Tumor predisposition; Hereditary neoplastic syndrome. Identifiers: Orphanet 140162, MedGen C0027672, MeSH D009386, MONDO:0015356.
Familial cancer of breast. Also called: BREAST CANCER, FAMILIAL; hereditary breast carcinoma; Hereditary breast cancer. Identifiers: Orphanet 227535, MedGen C0346153, MONDO:0016419, OMIM 114480. Disease mechanism: loss of function.

Allele frequency attached by ClinVar (database versions not stated): gnomAD exomes below 0.00001.
gnomAD v4.1: 4 of 1,614,076 alleles (0.00025%); highest among the groups gnomAD compares: African/African-American, 0.0027%; no homozygotes.

Submissions (3):

Ambry Genetics
Classification: Likely benign for Hereditary cancer-predisposing syndrome. Last evaluated: 2025-12-29. Review status: criteria provided, single submitter. Criteria: Ambry Variant Classification Scheme 2023. Collection method: clinical testing. Allele origin: germline.

Myriad Genetics, Inc.
Classification: Benign for Familial cancer of breast. Last evaluated: 2025-01-14. Review status: criteria provided, single submitter. Criteria: Myriad Autosomal Dominant, Autosomal Recessive and X-Linked Classification Criteria (2023). Collection method: clinical testing. Allele origin: unknown.
Comment: This variant is considered benign. This variant is a silent/synonymous amino acid change and it is not expected to impact splicing.

Labcorp Genetics (formerly Invitae), Labcorp
Classification: Likely benign for Familial cancer of breast. Last evaluated: 2024-09-04. Review status: criteria provided, single submitter. Criteria: Invitae Variant Classification Sherloc (09022015). Collection method: clinical testing. Allele origin: germline.